The following is an entry in ClinVar:

ClinVar aggregate classification (germline): Uncertain significance. Review status: criteria provided, multiple submitters, no conflicts (2 of 4 stars). 5 submissions from 5 submitters: Uncertain significance (5). Last evaluated 2025-06-27.

Conditions:
Cardiovascular phenotype. Identifiers: MedGen CN230736.
Autosomal recessive limb-girdle muscular dystrophy type 2J (LGMDR10). Also called: MUSCULAR DYSTROPHY, LIMB-GIRDLE, AUTOSOMAL RECESSIVE 10; Limb-girdle muscular dystrophy, type 2J. Identifiers: Orphanet 140922, MedGen C1837342, MONDO:0012127, OMIM 608807.
Dilated cardiomyopathy 1G (CMD1G). Identifiers: Orphanet 154, MedGen C1858763, MONDO:0011400, OMIM 604145.
Myopathy, myofibrillar, 9, with early respiratory failure (MFM9). Also called: Myopathy, distal, with early respiratory failure, autosomal dominant; Hereditary myopathy with early respiratory failure; EDSTROM MYOPATHY; MYOPATHY, PROXIMAL, WITH EARLY RESPIRATORY MUSCLE INVOLVEMENT. Identifiers: Orphanet 178464, Orphanet 34521, MedGen C1863599, MONDO:0011362, OMIM 603689.
Tibial muscular dystrophy (TMD). Also called: UDD MYOPATHY; Tibial muscular dystrophy, tardive; Udd Distal Myopathy – Tibial Muscular Dystrophy. Identifiers: Orphanet 609, MedGen C1838244, MONDO:0010870, OMIM 600334.
Early-onset myopathy with fatal cardiomyopathy (CMYO5). Also called: Salih Myopathy; CONGENITAL MYOPATHY 5 WITH CARDIOMYOPATHY. Identifiers: Orphanet 289377, MedGen C2673677, MONDO:0012714, OMIM 611705. Disease mechanism: loss of function.
Hypertrophic cardiomyopathy 9. Also called: Familial hypertrophic cardiomyopathy 9. Identifiers: MedGen C1861065, MONDO:0013412, OMIM 613765.

Allele frequency attached by ClinVar (database versions not stated): gnomAD 0.00004; gnomAD exomes 0.00004 and 0.00007; TOPMed 0.00004; ExAC 0.00005; ESP Exome Variant Server 0.00017.
gnomAD v4.1: 119 of 1,611,932 alleles (0.0074%); highest among the groups gnomAD compares: Non-Finnish European, 0.0092%; no homozygotes.

Submissions (5):

Mayo Clinic Laboratories, Mayo Clinic
Classification: Uncertain significance. Last evaluated: 2025-06-27. Review status: criteria provided, single submitter. Criteria: ACMG Guidelines, 2015. Collection method: clinical testing. Allele origin: germline. Observed: 1 variant allele.
Comment: BP4_moderate, PM2_supporting

Revvity Omics, Revvity
Classification: Uncertain significance. Last evaluated: 2023-07-24. Review status: criteria provided, single submitter. Criteria: ACMG Guidelines, 2015. Collection method: clinical testing. Allele origin: germline.

Fulgent Genetics
Classification: Uncertain significance for Tibial muscular dystrophy; Myopathy, myofibrillar, 9, with early respiratory failure; Dilated cardiomyopathy 1G; Autosomal recessive limb-girdle muscular dystrophy type 2J; Early-onset myopathy with fatal cardiomyopathy; Hypertrophic cardiomyopathy 9. Last evaluated: 2021-09-23. Review status: criteria provided, single submitter. Criteria: ACMG Guidelines, 2015. Collection method: clinical testing. Allele origin: unknown.

Ambry Genetics
Classification: Uncertain significance for Cardiovascular phenotype. Last evaluated: 2018-01-18. Review status: criteria provided, single submitter. Criteria: Ambry Variant Classification Scheme 2023. Collection method: clinical testing. Allele origin: germline.
Comment: The p.S5978N variant (also known as c.17933G>A), located in coding exon 72 of the TTN gene, results from a G to A substitution at nucleotide position 17933. The serine at codon 5978 is replaced by asparagine, an amino acid with highly similar properties. This amino acid position is poorly conserved in available vertebrate species, and asparagine is the reference amino acid in several species. In addition, this alteration is predicted to be tolerated by in silico analysis. Since supporting evidence is limited at this time, the clinical significance of this variant remains unclear.

Labcorp Genetics (formerly Invitae), Labcorp
Classification: Uncertain significance for Dilated cardiomyopathy 1G; Autosomal recessive limb-girdle muscular dystrophy type 2J. Last evaluated: 2016-10-25. Review status: criteria provided, single submitter. Criteria: Invitae Variant Classification Sherloc (09022015). Collection method: clinical testing. Allele origin: germline.

Literature cited by the submitters: PubMed 31983221 (cited by Mayo Clinic Laboratories, Mayo Clinic).

NM_001267550.2(TTN):c.45128G>A (p.Ser15043Asn)

Genes: TTN (titin; minus strand), LOC126806427 (BRD4-independent group 4 enhancer GRCh37_chr2:179485777-179486976; plus strand). Cytogenetic location: 2q31.2.
Variant type: single nucleotide variant.
Coding change: c.45128G>A on transcript NM_001267550.2 (MANE Select); coding-DNA position 45128, G replaced by A.
Protein change: p.Ser15043Asn; replaces serine 15043 with asparagine.
Molecular consequence: missense variant.
Genome position (GRCh38, 1-based): chr2:178,621,696, C>T on the plus strand (G>A on the coding strand, the complement: TTN is on the minus strand). VCF-style: chr2-178621696-C-T. GRCh37 (hg19) VCF-style: chr2-179486423-C-T.
Other names: p.Ser13402Asn; c.40205G>A, p.Ser13402Asn (NM_001256850.1); c.17933G>A, p.Ser5978Asn (NM_003319.4); c.37424G>A, p.Ser12475Asn (NM_133378.4); c.18308G>A, p.Ser6103Asn (NM_133432.3); c.18509G>A, p.Ser6170Asn (NM_133437.4); short protein forms S15043N, S5978N, S6170N, S12475N, S13402N, S6103N.
Identifiers: ClinVar variation 404843 (VCV000404843.11), dbSNP rs376144178, ClinGen allele CA1995490.
Genomic context (GRCh38, chr2:178,621,696, plus strand): 5'-CAAATCACTTCTGCGCCAGGTTTGGAGACTTCACAAACCAGTTTTATAGTGTCTGTTTCA[C>T]TAACTTCAATGTTGGCAAGATTTTTGGTAAAGACAGCTTCTTCTTCTGCAAGCATTGAAA-3'
Protein context (NP_001254479.2, residues 15033-15053): FTKNLANIEV[Ser15043Asn]ETDTIKLVCE